The following is an entry in ClinVar:

NM_002381.5(MATN3):c.361C>T (p.Arg121Trp)

Gene: MATN3 (matrilin 3; minus strand). Cytogenetic location: 2p24.1.
Variant type: single nucleotide variant.
Coding change: c.361C>T on transcript NM_002381.5 (MANE Select); coding-DNA position 361, C replaced by T.
Protein change: p.Arg121Trp; replaces arginine 121 with tryptophan.
Molecular consequence: missense variant.
Genome position (GRCh38, 1-based): chr2:20,006,173, G>A on the plus strand (C>T on the coding strand, the complement: MATN3 is on the minus strand). VCF-style: chr2-20006173-G-A. GRCh37 (hg19) VCF-style: chr2-20205934-G-A.
Other names: short protein forms R121W.
Identifiers: ClinVar variation 7541 (VCV000007541.56), dbSNP rs104893637, ClinGen allele CA340687.

ClinVar aggregate classification (germline): Pathogenic/Likely pathogenic. Review status: criteria provided, multiple submitters, no conflicts (2 of 4 stars). 12 submissions from 12 submitters: Pathogenic (8); Likely pathogenic (1). 3 of the submissions do not count toward it. Last evaluated 2026-02-08.

Conditions:
MATN3-related disorder. Also called: MATN3-related condition.
Inborn genetic diseases. Identifiers: MedGen C0950123, MeSH D030342.
Multiple epiphyseal dysplasia. Also called: Multiple epiphyseal dysplasia (disease). Identifiers: Orphanet 251, MedGen C0026760, MONDO:0016648, HP:0002654.
Spondyloepimetaphyseal dysplasia, matrilin-3 type (SEMDBCD). Also called: Spondyloepimetaphyseal dysplasia, MATN3-related; SEMD, MATN3-RELATED. Identifiers: Orphanet 156728, MedGen C1837481, MONDO:0012108, OMIM 608728.
Multiple epiphyseal dysplasia type 5 (EDM5). Also called: Microepiphyseal dysplasia, bilateral hereditary; MATN3-Related Multiple Epiphyseal Dysplasia. Identifiers: Orphanet 93311, MedGen C1846843, MONDO:0011765, OMIM 607078.

Allele frequency attached by ClinVar (database versions not stated): gnomAD exomes below 0.00001.

Submissions (12):

GeneDx
Classification: Pathogenic. Last evaluated: 2026-02-08. Review status: criteria provided, single submitter. Criteria: GeneDx Variant Classification Process June 2021. Collection method: clinical testing. Allele origin: germline.
Comment: Published functional studies demonstrate a damaging effect with reduced secretion from the ER compared to wild type (PMID: 16199550, 18518980); In silico analysis supports that this missense variant has a deleterious effect on protein structure/function; Not observed at significant frequency in large population cohorts (gnomAD); This variant is associated with the following publications: (PMID: 16287128, 23956175, 26499313, 18518980, 16199550, 30138938, 28135719, 31278258, 31785789, 38378010, 34122524, 24629099, 11479597, 39293509, 15459972, 14729835, 14994237, 21965141)

Labcorp Genetics (formerly Invitae), Labcorp
Classification: Pathogenic. Last evaluated: 2025-11-21. Review status: criteria provided, single submitter. Criteria: Invitae Variant Classification Sherloc (09022015). Collection method: clinical testing. Allele origin: germline.
Comment: This sequence change replaces arginine, which is basic and polar, with tryptophan, which is neutral and slightly polar, at codon 121 of the MATN3 protein (p.Arg121Trp). This variant is not present in population databases (gnomAD no frequency). This missense change has been observed in individual(s) with multiple epiphyseal dysplasia (PMID: 11479597, 14729835). It has also been observed to segregate with disease in related individuals. ClinVar contains an entry for this variant (Variation ID: 7541). Invitae Evidence Modeling of protein sequence and biophysical properties (such as structural, functional, and spatial information, amino acid conservation, physicochemical variation, residue mobility, and thermodynamic stability) indicates that this missense variant is expected to disrupt MATN3 protein function with a positive predictive value of 80%. Experimental studies have shown that this missense change affects MATN3 function (PMID: 16199550, 18518980). For these reasons, this variant has been classified as Pathogenic.

Clinical Biomedical Laboratory, Shriners Hospital For Children - Canada
Classification: Pathogenic for Multiple epiphyseal dysplasia type 5. Last evaluated: 2025-10-05. Review status: criteria provided, single submitter. Criteria: ACMG Guidelines, 2015. Collection method: clinical testing. Allele origin: germline. Affected: yes.
Comment: This variant is predicted to substitute an arginine residue by a tryptophan residue in MATN3. In the Genome Aggregation Database (gnomAD v2.1.1) this variant is absent. Computational tools (REVEL: 0.88) suggest that the amino acid change is damaging to protein function. The affected nucleotide is not conserved in evolution (PhyloP100 = 0.27). This variant has been published as a cause of multiple epiphyseal dysplasia in more than 10 publications (e.g. PMID 16287128).

3billion
Classification: Pathogenic for Multiple epiphyseal dysplasia type 5. Last evaluated: 2024-11-13. Review status: criteria provided, single submitter. Criteria: ACMG Guidelines, 2015. Collection method: clinical testing. Allele origin: germline. Affected: yes.
Comment: The variant is observed at an extremely low frequency in the gnomAD v4.1.0 dataset (total allele frequency: <0.001%). Predicted Consequence/Location: Missense variant Functional studies provide strong evidence of the variant having a damaging effect on the gene or gene product (PMID: 16287128). In silico tool predictions suggest damaging effect of the variant on gene or gene product [REVEL: 0.88 (>=0.6, sensitivity 0.68 and specificity 0.92)]. The same nucleotide change resulting in the same amino acid change has been previously reported as pathogenic/likely pathogenic with strong evidence (ClinVar ID: VCV000007541 /PMID: 11479597 /3billion dataset). The variant has been reported to co-segregate with the disease in at least 3 similarly affected relatives/individuals in the same family or similarly affected unrelated families (PMID: 14729835). A different missense change at the same codon (p.Arg121Gln) has been reported to be associated with MATN3 related disorder (PMID: 26377240). Therefore, this variant is classified as Pathogenic according to the recommendation of ACMG/AMP guideline.

Ambry Genetics
Classification: Pathogenic for Inborn genetic diseases. Last evaluated: 2024-07-26. Review status: criteria provided, single submitter. Criteria: Ambry Variant Classification Scheme 2023. Collection method: clinical testing. Allele origin: germline.
Comment: The c.361C>T (p.R121W) alteration is located in exon 2 (coding exon 2) of the MATN3 gene. This alteration results from a C to T substitution at nucleotide position 361, causing the arginine (R) at amino acid position 121 to be replaced by a tryptophan (W). This variant was not reported in population-based cohorts in the Genome Aggregation Database (gnomAD). This variant was reported in multiple individuals with features consistent with MATN3-related multiple epiphyseal dysplasia (Kim, 2011; Huang, 2018; Kim, 2021; Kakar, 2024). This variant was also reported to segregate with affected family members (Jackson, 2004). This amino acid position is well conserved in available vertebrate species. In multiple assays testing MATN3 function, this variant showed functionally abnormal results (Otten, 2005; Zhang, 2008; Wang, 2015). This alteration is predicted to be deleterious by in silico analysis. Based on the available evidence, this alteration is classified as pathogenic.

Genetics and Molecular Pathology, SA Pathology
Classification: Pathogenic for Multiple epiphyseal dysplasia type 5. Last evaluated: 2022-09-07. Review status: criteria provided, single submitter. Criteria: ACMG Guidelines, 2015. Collection method: clinical testing. Allele origin: germline. Inheritance: Autosomal dominant inheritance. Affected: yes.
Comment: The MATN3 c.361C>T variant is classified as a PATHOGENIC variant (PS4, PM1, PM2, PP3, PP4) This variant is a single nucleotide change in the MATN3 gene which is predicted to change the amino acid arginine at position 121 in the protein to tryptophan. The variant is in exon 2/8 of the MATN3 gene and is located in protein domain: von Willebrand factor A-like domain (vWF A-domain), of the MATN3 gene. Studies have demonstrated that MED mutations in MATN3 are predominantly located in exon 2, which encodes the vWF A-domain (PMID: 16287128; 15459972) (PM1). The variant has been reported in dbSNP (rs104893637) but is absent from population databases (PM2). This variant has been known as a common disease causing variant in the MATN3 gene, and has been reported many times in individuals affected with MED (PMID: 11479597, 21965141, 14729835, 16287128, 15459972, GeneReview) (PS4). The variant has been reported in ClinVar (Variation ID: 7541) as likely pathogenic (1)/ pathogenic (2). The variant has been reported in HGMD (Accession#: CM012401) as disease causing. Computational predictions support a deleterious effect on the gene or gene product (PP3). Patient's phenotype is highly specific for a the MATN3 gene (PP4).

Johns Hopkins Genomics, Johns Hopkins University
Classification: Likely pathogenic for Multiple epiphyseal dysplasia type 5. Last evaluated: 2021-03-31. Review status: criteria provided, single submitter. Criteria: ACMG Guidelines, 2015. Collection method: clinical testing. Allele origin: germline.
Comment: This MATN3 variant (rs104893637) is absent from a large population dataset and has an entry in ClinVar. It has been identified in approximately 40 percent of individuals with EDM5. Three bioinformatics tools queried predict that p.Arg121Trp would be damaging. The arginine residue at this position is conserved across most vertebrate species assessed. Analysis of cartilage from a patient with the p.Arg121Trp variant showed retention of matrilin-3 protein within the rough endoplasmic reticulum (rER) of chondrocytes. This variant is not predicted to affect normal exon 2 splicing, although this has not been confirmed experimentally to our knowledge. We consider c.361C>T to be likely pathogenic.

Blueprint Genetics
Classification: Pathogenic for MATN3-related disorders. Last evaluated: 2020-12-30. Review status: criteria provided, single submitter. Criteria: ACMG Guidelines, 2015. Collection method: clinical testing. Allele origin: germline. Affected: yes. Observed: 2 variant alleles.

CeGaT Center for Human Genetics Tuebingen
Classification: Pathogenic. Last evaluated: 2020-01-01. Review status: criteria provided, single submitter. Criteria: CeGaT Center For Human Genetics Tuebingen Variant Classification Criteria Version 2. Collection method: clinical testing. Allele origin: germline. Affected: yes. Observed: 3 variant alleles.

OMIM
Classification: Pathogenic for EPIPHYSEAL DYSPLASIA, MULTIPLE, 5. Last evaluated: 2004-01-01. Review status: no assertion criteria provided. Collection method: literature only. Allele origin: germline. Not counted in ClinVar's aggregate classification.

GeneReviews
No classification provided. Condition: Multiple epiphyseal dysplasia. Review status: no classification provided. Collection method: literature only. Allele origin: germline. Not counted in ClinVar's aggregate classification.
Comment: European-based studies have identified p.Arg121Trp in 12/33 and p.Thr120Met in 5/33 affected individuals (total = 52%) [Chapman et al 2001; Mostert et al 2003; Jackson et al 2004; Cotterill et al 2005; Fresquet et al 2007; Jackson et al 2012; Author, unpublished data]. In a Japanese population, p.Arg121Trp was identified in 3/9 and p.Thr120Met in 3/9 affected individuals (total = 66%) [Mabuchi et al 2004, Itoh et al 2006]. In a Korean study, p.Arg121Trp was identified in 20/30 and p.Thr120Met was identified in 4/30 affected individuals (total = 80%) [Kim et al 2011].

Laboratory of Genetic Skeletal Anomaly, Seoul National University Children's Hospital
Classification: Pathogenic for Spondyloepimetaphyseal dysplasia, matrilin-3 type. Review status: no assertion criteria provided. Collection method: clinical testing. Allele origin: inherited. Affected: no. Observed: 5 variant alleles, 2 heterozygotes, 3 compound heterozygotes. Not counted in ClinVar's aggregate classification.

Literature cited by the submitters: PubMed 11479597 (cited by 5 submitters); PubMed 14729835 (cited by 6 submitters); PubMed 16199550 (cited by Labcorp Genetics (formerly Invitae), Labcorp and Ambry Genetics); PubMed 18518980 (cited by Labcorp Genetics (formerly Invitae), Labcorp and Ambry Genetics); PubMed 16287128 (cited by 4 submitters); PubMed 26377240 (cited by 3billion); PubMed 21965141 (cited by 3 submitters); PubMed 26499313 (cited by Ambry Genetics); PubMed 30138938 (cited by Ambry Genetics); PubMed 34122524 (cited by Ambry Genetics); PubMed 38378010 (cited by Ambry Genetics); PubMed 15459972 (cited by Genetics and Molecular Pathology, SA Pathology); PubMed 20301302 (cited by Johns Hopkins Genomics, Johns Hopkins University); NCBI Bookshelf NBK1123 (cited by GeneReviews).